The following is an entry in ClinVar:

NM_001197104.2(KMT2A):c.3199C>T (p.Arg1067Trp)

Gene: KMT2A (lysine methyltransferase 2A; plus strand). Cytogenetic location: 11q23.3.
Variant type: single nucleotide variant.
Coding change: c.3199C>T on transcript NM_001197104.2 (MANE Select); coding-DNA position 3199, C replaced by T.
Protein change: p.Arg1067Trp; replaces arginine 1067 with tryptophan.
Molecular consequence: missense variant.
Genome position (GRCh38, 1-based): chr11:118,476,847, C>T. VCF-style: chr11-118476847-C-T. GRCh37 (hg19) VCF-style: chr11-118347562-C-T.
Other names: c.3298C>T, p.Arg1100Trp (NM_001412597.1); c.3199C>T, p.Arg1067Trp (NM_005933.4); short protein forms R1067W, R1100W.
Identifiers: ClinVar variation 3337229 (VCV003337229.3).

ClinVar aggregate classification (germline): Uncertain significance. Review status: criteria provided, multiple submitters, no conflicts (2 of 4 stars). 3 submissions from 3 submitters: Uncertain significance (3). Last evaluated 2025-08-15.

Submissions (3):

GeneDx
Classification: Uncertain significance. Last evaluated: 2025-08-15. Review status: criteria provided, single submitter. Criteria: GeneDx Variant Classification Process June 2021. Collection method: clinical testing. Allele origin: germline. Affected: yes.
Comment: Not observed at significant frequency in large population cohorts (gnomAD); In silico analysis supports that this missense variant has a deleterious effect on protein structure/function; Reported in large cohorts of individuals with neurodevelopmental disorder, but detailed clinical information is not provided (PMID: 28191889, 33004838, 33783954); This variant is associated with the following publications: (PMID: 28191889, 33783954, 33004838)

Labcorp Genetics (formerly Invitae), Labcorp
Classification: Uncertain significance. Last evaluated: 2025-04-14. Review status: criteria provided, single submitter. Criteria: Invitae Variant Classification Sherloc (09022015). Collection method: clinical testing. Allele origin: germline.
Comment: This sequence change replaces arginine, which is basic and polar, with tryptophan, which is neutral and slightly polar, at codon 1067 of the KMT2A protein (p.Arg1067Trp). This variant is not present in population databases (gnomAD no frequency). This missense change has been observed in individual(s) with KMT2A-related conditions (PMID: 33004838, 33783954). ClinVar contains an entry for this variant (Variation ID: 3337229). Invitae Evidence Modeling of protein sequence and biophysical properties (such as structural, functional, and spatial information, amino acid conservation, physicochemical variation, residue mobility, and thermodynamic stability) indicates that this missense variant is expected to disrupt KMT2A protein function with a positive predictive value of 95%. In summary, the available evidence is currently insufficient to determine the role of this variant in disease. Therefore, it has been classified as a Variant of Uncertain Significance.

Clinical Genetics Laboratory, Skane University Hospital Lund
Classification: Uncertain significance. Last evaluated: 2024-03-18. Review status: criteria provided, single submitter. Criteria: ACMG Guidelines, 2015. Collection method: clinical testing. Allele origin: germline. Affected: yes.

Literature cited by the submitters: PubMed 33004838 (cited by Labcorp Genetics (formerly Invitae), Labcorp); PubMed 33783954 (cited by Labcorp Genetics (formerly Invitae), Labcorp).